The following is an entry in ClinVar:

ClinVar aggregate classification (germline): Uncertain significance. Review status: criteria provided, multiple submitters, no conflicts (2 of 4 stars). 2 submissions from 2 submitters: Uncertain significance (2). Last evaluated 2024-04-01.

Conditions:
Acrocallosal syndrome (ACLS). Also called: HALLUX DUPLICATION, POSTAXIAL POLYDACTYLY, AND ABSENCE OF CORPUS CALLOSUM; Schinzel syndrome 1; Absence of corpus callosum with unusual facial appearance, mental deficiency, duplication of the halluces and polydactyly. Identifiers: Orphanet 36, MedGen C0796147, MONDO:0008708, OMIM 200990.
Multiple epiphyseal dysplasia, Al-Gazali type. Also called: Macrocephaly with multiple epiphyseal dysplasia and distinctive facies. Identifiers: Orphanet 166024, MedGen C1846722, MONDO:0011778, OMIM 607131.
Hydrolethalus syndrome 2 (HLS2). Identifiers: Orphanet 2189, MedGen C3279899, MONDO:0013585, OMIM 614120.

Allele frequency attached by ClinVar (database versions not stated): gnomAD 0.00001 and 0.00002; gnomAD exomes 0.00002; ExAC 0.00003; TOPMed 0.00003; 1000 Genomes Project 30x 0.00016; 1000 Genomes Project 0.00020.
gnomAD v4.1: 9 of 1,609,966 alleles (0.00056%); highest among the groups gnomAD compares: African/African-American, 0.004%; no homozygotes.

Submissions (2):

Fulgent Genetics
Classification: Uncertain significance for Acrocallosal syndrome; Multiple epiphyseal dysplasia, Al-Gazali type; Hydrolethalus syndrome 2. Last evaluated: 2024-04-01. Review status: criteria provided, single submitter. Criteria: ACMG Guidelines, 2015. Collection method: clinical testing. Allele origin: germline.

GeneDx
Classification: Uncertain significance. Last evaluated: 2019-12-26. Review status: criteria provided, single submitter. Criteria: GeneDx Variant Classification Process June 2021. Collection method: clinical testing. Allele origin: germline. Affected: yes.
Comment: Not observed at a significant frequency in large population cohorts (Lek et al., 2016); In silico analysis, which includes protein predictors and evolutionary conservation, supports a deleterious effect; Has not been previously published as pathogenic or benign to our knowledge

NM_198525.3(KIF7):c.2266C>T (p.Arg756Trp)

Gene: KIF7 (kinesin family member 7; minus strand). Cytogenetic location: 15q26.1.
Variant type: single nucleotide variant.
Coding change: c.2266C>T on transcript NM_198525.3 (MANE Select); coding-DNA position 2266, C replaced by T.
Protein change: p.Arg756Trp; replaces arginine 756 with tryptophan.
Molecular consequence: missense variant.
Genome position (GRCh38, 1-based): chr15:89,642,331, G>A on the plus strand (C>T on the coding strand, the complement: KIF7 is on the minus strand). VCF-style: chr15-89642331-G-A. GRCh37 (hg19) VCF-style: chr15-90185562-G-A.
Other names: short protein forms R756W.
Identifiers: ClinVar variation 1311300 (VCV001311300.3), dbSNP rs570853380, ClinGen allele CA7728254.